The following is an entry in ClinVar:

ClinVar aggregate classification (germline): Uncertain significance. Review status: criteria provided, multiple submitters, no conflicts (2 of 4 stars). 5 submissions from 5 submitters: Uncertain significance (5). Last evaluated 2025-01-19.

Conditions:
Inborn genetic diseases. Identifiers: MedGen C0950123, MeSH D030342.
Tumoral calcinosis, hyperphosphatemic, familial, 1. Also called: LIPOCALCINOGRANULOMATOSIS; MORBUS TEUTSCHLAENDER; TEUTSCHLAENDER DISEASE, FAMILIAL; TUMORAL CALCINOSIS, PRIMARY HYPERPHOSPHATEMIC; CALCINOSIS, TUMORAL, WITH HYPERPHOSPHATEMIA; HYPEROSTOSIS WITH HYPERPHOSPHATEMIA. Identifiers: Orphanet 53715, MedGen C4692564, MONDO:0100252, OMIM 211900.

Allele frequency attached by ClinVar (database versions not stated): ExAC 0.00010; gnomAD exomes 0.00010 and 0.00020; TOPMed 0.00019; gnomAD 0.00022 and 0.00024; ESP Exome Variant Server 0.00023.
gnomAD v4.1: 326 of 1,613,930 alleles (0.02%); highest among the groups gnomAD compares: African/African-American, 0.025%; no homozygotes.

Submissions (5):

Ambry Genetics
Classification: Uncertain significance for Inborn genetic diseases. Last evaluated: 2025-01-19. Review status: criteria provided, single submitter. Criteria: Ambry Variant Classification Scheme 2023. Collection method: clinical testing. Allele origin: germline.

Blueprint Genetics
Classification: Uncertain significance. Last evaluated: 2024-08-08. Review status: criteria provided, single submitter. Criteria: ACMG Guidelines, 2015. Collection method: clinical testing. Allele origin: germline.

Labcorp Genetics (formerly Invitae), Labcorp
Classification: Uncertain significance. Last evaluated: 2022-09-02. Review status: criteria provided, single submitter. Criteria: Invitae Variant Classification Sherloc (09022015). Collection method: clinical testing. Allele origin: germline.
Comment: This sequence change replaces glycine, which is neutral and non-polar, with arginine, which is basic and polar, at codon 165 of the GALNT3 protein (p.Gly165Arg). This variant is present in population databases (rs147779149, gnomAD 0.04%). This variant has not been reported in the literature in individuals affected with GALNT3-related conditions. ClinVar contains an entry for this variant (Variation ID: 331788). Algorithms developed to predict the effect of missense changes on protein structure and function are either unavailable or do not agree on the potential impact of this missense change (SIFT: "Deleterious"; PolyPhen-2: "Probably Damaging"; Align-GVGD: "Class C15"). In summary, the available evidence is currently insufficient to determine the role of this variant in disease. Therefore, it has been classified as a Variant of Uncertain Significance.

Fulgent Genetics
Classification: Uncertain significance for Tumoral calcinosis, hyperphosphatemic, familial, 1. Last evaluated: 2022-05-14. Review status: criteria provided, single submitter. Criteria: ACMG Guidelines, 2015. Collection method: clinical testing. Allele origin: unknown.

Illumina Laboratory Services, Illumina
Classification: Uncertain significance for Tumoral calcinosis, hyperphosphatemic, familial, 1. Last evaluated: 2018-01-13. Review status: criteria provided, single submitter. Criteria: ICSL Variant Classification Criteria 13 December 2019. Collection method: clinical testing. Allele origin: germline.

NM_004482.4(GALNT3):c.493G>A (p.Gly165Arg)

Gene: GALNT3 (polypeptide N-acetylgalactosaminyltransferase 3; minus strand). Cytogenetic location: 2q24.3.
Variant type: single nucleotide variant.
Coding change: c.493G>A on transcript NM_004482.4 (MANE Select); coding-DNA position 493, G replaced by A.
Protein change: p.Gly165Arg; replaces glycine 165 with arginine.
Molecular consequence: missense variant.
Genome position (GRCh38, 1-based): chr2:165,770,208, C>T on the plus strand (G>A on the coding strand, the complement: GALNT3 is on the minus strand). VCF-style: chr2-165770208-C-T. GRCh37 (hg19) VCF-style: chr2-166626718-C-T.
Other names: short protein forms G165R.
Identifiers: ClinVar variation 331788 (VCV000331788.12), dbSNP rs147779149, ClinGen allele CA1941230.